The following is an entry in ClinVar:

NM_000521.4(HEXB):c.448A>C (p.Thr150Pro)

Gene: HEXB (hexosaminidase subunit beta; plus strand). Cytogenetic location: 5q13.3.
Variant type: single nucleotide variant.
Coding change: c.448A>C on transcript NM_000521.4 (MANE Select); coding-DNA position 448, A replaced by C.
Protein change: p.Thr150Pro; replaces threonine 150 with proline.
Molecular consequence: missense variant. On other transcripts: 5 prime UTR variant (1).
Genome position (GRCh38, 1-based): chr5:74,693,641, A>C. VCF-style: chr5-74693641-A-C. GRCh37 (hg19) VCF-style: chr5-73989466-A-C.
Other names: c.-228A>C (NM_001292004.2); short protein forms T150P.
Identifiers: ClinVar variation 554994 (VCV000554994.20), dbSNP rs938611392, ClinGen allele CA360063408.

ClinVar aggregate classification (germline): Conflicting classifications of pathogenicity. Review status: criteria provided, conflicting classifications (1 of 4 stars). 6 submissions from 6 submitters: Likely pathogenic (3); Uncertain significance (1). 2 of the submissions do not count toward it. Last evaluated 2025-06-23.

Conditions:
Sandhoff disease. Also called: Beta-hexosaminidase-beta-subunit deficiency; GM2 gangliosidosis, type 2; Total hexosaminidase deficiency; Sandhoff-Jatzkewitz-Pilz disease; GM2-GANGLIOSIDOSIS, TYPE II; HEXOSAMINIDASES A AND B DEFICIENCY. Identifiers: Orphanet 796, MedGen C0036161, MONDO:0010006, OMIM 268800.

Allele frequency attached by ClinVar (database versions not stated): gnomAD 0.00001; gnomAD exomes below 0.00001; TOPMed 0.00001.
gnomAD v4.1: 3 of 1,608,316 alleles (0.00019%); highest among the groups gnomAD compares: Non-Finnish European, 0.00017%; no homozygotes.

Submissions (6):

Dasa
Classification: Likely pathogenic. Last evaluated: 2025-06-23. Review status: criteria provided, single submitter. Criteria: DASA Assertion Criteria. Collection method: clinical testing. Allele origin: germline.
Comment: NM_000521.4(HEXB):c.448A>C (p.Thr150Pro) is a missense variant that results in the substitution of threonine with proline. Segregation data support an association with disease in the reported family/families (PMID: 22848519; PMID: 23046579). This variant has been recurrently observed in individuals with HEXB-related disorders (PMID: 22848519; PMID: 23046579). Also, this variant is rare in population databases. Based on the currently available evidence, this variant is classified as likely pathogenic.

Women's Health and Genetics/Laboratory Corporation of America, LabCorp
Classification: Likely pathogenic for Sandhoff disease. Last evaluated: 2024-10-23. Review status: criteria provided, single submitter. Criteria: LabCorp Variant Classification Summary - May 2015. Collection method: clinical testing. Allele origin: germline.
Comment: Variant summary: HEXB c.448A>C (p.Thr150Pro) results in a non-conservative amino acid change in the encoded protein sequence. Three of five in-silico tools predict a benign effect of the variant on protein function. Consensus agreement among computation tools predict no significant impact on normal splicing. However, these predictions have yet to be confirmed by functional studies. The variant allele was found at a frequency of 4e-06 in 251488 control chromosomes. c.448A>C has been reported in the literature in compound heterozygous individuals affected with Sandhoff Disease (Zampieri_2012, Gaignard_2013, Maegawa_2007). These data indicate that the variant is likely to be associated with disease. To our knowledge, no experimental evidence demonstrating an impact on protein function has been reported. The following publications have been ascertained in the context of this evaluation (PMID: 23046579, 17237499, 22848519). ClinVar contains an entry for this variant (Variation ID: 554994). Based on the evidence outlined above, the variant was classified as likely pathogenic.

Laboratorio de Genetica e Diagnostico Molecular, Hospital Israelita Albert Einstein
Classification: Uncertain significance for Sandhoff disease. Last evaluated: 2024-05-28. Review status: criteria provided, single submitter. Criteria: ACMG Guidelines, 2015. Collection method: clinical testing. Allele origin: germline. Affected: yes.
Comment: ACMG classification criteria: PM2 supporting, PM3 strong

Labcorp Genetics (formerly Invitae), Labcorp
Classification: Likely pathogenic for Sandhoff disease. Last evaluated: 2023-09-12. Review status: criteria provided, single submitter. Criteria: Invitae Variant Classification Sherloc (09022015). Collection method: clinical testing. Allele origin: germline.
Comment: This sequence change replaces threonine, which is neutral and polar, with proline, which is neutral and non-polar, at codon 150 of the HEXB protein (p.Thr150Pro). This variant is present in population databases (no rsID available, gnomAD no frequency). This missense change has been observed in individual(s) with Sandhoff disease (PMID: 22848519, 23046579). In at least one individual the data is consistent with being in trans (on the opposite chromosome) from a pathogenic variant. ClinVar contains an entry for this variant (Variation ID: 554994). An algorithm developed to predict the effect of missense changes on protein structure and function (PolyPhen-2) suggests that this variant is likely to be tolerated. In summary, the currently available evidence indicates that the variant is pathogenic, but additional data are needed to prove that conclusively. Therefore, this variant has been classified as Likely Pathogenic.

Natera, Inc.
Classification: Likely pathogenic for Sandhoff disease. Last evaluated: 2020-10-30. Review status: no assertion criteria provided. Collection method: clinical testing. Allele origin: germline. Not counted in ClinVar's aggregate classification.

Counsyl
Classification: Uncertain significance for Sandhoff disease. Last evaluated: 2017-11-10. Review status: no assertion criteria provided. Collection method: clinical testing. Allele origin: unknown. Not counted in ClinVar's aggregate classification.

Literature cited by the submitters: PubMed 22848519 (cited by 4 submitters); PubMed 23046579 (cited by 4 submitters); PubMed 17237499 (cited by Women's Health and Genetics/Laboratory Corporation of America, LabCorp).